The following is an entry in ClinVar:

NM_000088.4(COL1A1):c.179T>C (p.Ile60Thr)

Gene: COL1A1 (collagen type I alpha 1 chain; minus strand). Cytogenetic location: 17q21.33.
Variant type: single nucleotide variant.
Coding change: c.179T>C on transcript NM_000088.4 (MANE Select); coding-DNA position 179, T replaced by C.
Protein change: p.Ile60Thr; replaces isoleucine 60 with threonine.
Molecular consequence: missense variant.
Genome position (GRCh38, 1-based): chr17:50,199,872, A>G on the plus strand (T>C on the coding strand, the complement: COL1A1 is on the minus strand). VCF-style: chr17-50199872-A-G. GRCh37 (hg19) VCF-style: chr17-48277233-A-G.
Other names: short protein forms I60T.
Identifiers: ClinVar variation 3717188 (VCV003717188.2).

ClinVar aggregate classification (germline): Uncertain significance (1 of 4 stars; one submission).

Conditions:
Osteogenesis imperfecta type I (OI1). Also called: OI, TYPE I; OSTEOGENESIS IMPERFECTA TARDA; OSTEOGENESIS IMPERFECTA WITH BLUE SCLERAE; Osteogenesis imperfecta type 1; Lobstein's Disease; Lobstein disease. Identifiers: Orphanet 216796, Orphanet 666, MedGen C0023931, MONDO:0008146, OMIM 166200. Disease mechanism: loss of function.

gnomAD v4.1: 2 of 1,613,968 alleles (0.00012%); highest among the groups gnomAD compares: Non-Finnish European, 0.00017%; no homozygotes.

Submission:

Labcorp Genetics (formerly Invitae), Labcorp
Classification: Uncertain significance for Osteogenesis imperfecta type I. Last evaluated: 2024-10-06. Review status: criteria provided, single submitter. Criteria: Invitae Variant Classification Sherloc (09022015). Collection method: clinical testing. Allele origin: germline.
Comment: This sequence change replaces isoleucine, which is neutral and non-polar, with threonine, which is neutral and polar, at codon 60 of the COL1A1 protein (p.Ile60Thr). This variant is not present in population databases (gnomAD no frequency). This variant has not been reported in the literature in individuals affected with COL1A1-related conditions. Invitae Evidence Modeling of protein sequence and biophysical properties (such as structural, functional, and spatial information, amino acid conservation, physicochemical variation, residue mobility, and thermodynamic stability) indicates that this missense variant is not expected to disrupt COL1A1 protein function with a negative predictive value of 95%. In summary, the available evidence is currently insufficient to determine the role of this variant in disease. Therefore, it has been classified as a Variant of Uncertain Significance.